The following is an entry in ClinVar:

ClinVar aggregate classification (germline): Pathogenic/Likely pathogenic. Review status: criteria provided, multiple submitters, no conflicts (2 of 4 stars). 3 submissions from 3 submitters: Pathogenic (2); Likely pathogenic (1). Last evaluated 2026-05-19.

Conditions:
Ullrich congenital muscular dystrophy 2 (UCMD2). Identifiers: Orphanet 75840, MedGen C4225314, MONDO:0014654, OMIM 616470.
Bethlem myopathy 2 (BTHLM2). Identifiers: Orphanet 536516, Orphanet 610, MedGen C4225313, MONDO:0034022, OMIM 616471.

Allele frequency attached by ClinVar (database versions not stated): TOPMed below 0.00001.

Submissions (3):

Women's Health and Genetics/Laboratory Corporation of America, LabCorp
Classification: Pathogenic for Ullrich congenital muscular dystrophy 2. Last evaluated: 2026-05-19. Review status: criteria provided, single submitter. Criteria: LabCorp Variant Classification Summary - May 2015. Collection method: clinical testing. Allele origin: germline.
Comment: Variant summary: COL12A1 c.5269C>T (p.Arg1757X) results in a premature termination codon, predicted to cause a truncation of the encoded protein or absence of the protein due to nonsense mediated decay, which are commonly known mechanisms for disease. The variant allele was found at a frequency of 4e-06 in 248922 control chromosomes (gnomAD). c.5269C>T has been observed in compound heterozygous individuals affected with Ullrich congenital muscular dystrophy 2 (Meng_2017, Herman_2021, McCarty_2025). In at least one individual the data is consistent with being in trans (on the opposite chromosome) from a pathogenic variant. These data indicate that the variant may be associated with disease. To our knowledge, no experimental evidence demonstrating an impact on protein function has been reported. The following publications have been ascertained in the context of this evaluation (PMID: 33146414, 39923201, 28973083). ClinVar contains an entry for this variant (Variation ID: 2136437). To our knowledge, this variant has not been reported in individuals with Bethlem myopathy 2. Based on the evidence outlined above, the variant was classified as pathogenic for Ullrich congenital muscular dystrophy 2.

Labcorp Genetics (formerly Invitae), Labcorp
Classification: Pathogenic for Bethlem myopathy 2; Ullrich congenital muscular dystrophy 2. Last evaluated: 2025-06-23. Review status: criteria provided, single submitter. Criteria: Invitae Variant Classification Sherloc (09022015). Collection method: clinical testing. Allele origin: germline.
Comment: This sequence change creates a premature translational stop signal (p.Arg1757*) in the COL12A1 gene. It is expected to result in an absent or disrupted protein product. Loss-of-function variants in COL12A1 are known to be pathogenic (PMID: 24334604, 28973083). This variant is present in population databases (no rsID available, gnomAD 0.0009%). This premature translational stop signal has been observed in individual(s) with autosomal recessive COL12A1-related conditions (PMID: 28973083, 33146414). ClinVar contains an entry for this variant (Variation ID: 2136437). For these reasons, this variant has been classified as Pathogenic.

GeneDx
Classification: Likely pathogenic. Last evaluated: 2023-11-08. Review status: criteria provided, single submitter. Criteria: GeneDx Variant Classification Process June 2021. Collection method: clinical testing. Allele origin: germline. Affected: yes.
Comment: Not observed at significant frequency in large population cohorts (gnomAD); Nonsense variant predicted to result in protein truncation or nonsense mediated decay in a gene for which loss of function is a known mechanism of disease; This variant is associated with the following publications: (PMID: 28973083, Neuhaus2019[Abstract], 33146414)

Literature cited by the submitters: PubMed 28973083 (cited by Women's Health and Genetics/Laboratory Corporation of America, LabCorp and Labcorp Genetics (formerly Invitae), Labcorp); PubMed 33146414 (cited by Women's Health and Genetics/Laboratory Corporation of America, LabCorp and Labcorp Genetics (formerly Invitae), Labcorp); PubMed 39923201 (cited by Women's Health and Genetics/Laboratory Corporation of America, LabCorp); PubMed 24334604 (cited by Labcorp Genetics (formerly Invitae), Labcorp).

NM_004370.6(COL12A1):c.5269C>T (p.Arg1757Ter)

Gene: COL12A1 (collagen type XII alpha 1 chain; minus strand). Cytogenetic location: 6q13.
Variant type: single nucleotide variant.
Coding change: c.5269C>T on transcript NM_004370.6 (MANE Select); coding-DNA position 5269, C replaced by T.
Protein change: p.Arg1757Ter; replaces arginine 1757 with a stop codon.
Molecular consequence: nonsense.
Genome position (GRCh38, 1-based): chr6:75,137,562, G>A on the plus strand (C>T on the coding strand, the complement: COL12A1 is on the minus strand). VCF-style: chr6-75137562-G-A. GRCh37 (hg19) VCF-style: chr6-75847278-G-A.
Other names: c.1777C>T, p.Arg593Ter (NM_080645.3); c.5269C>T (NM_004370.5); short protein forms R1757*, R593*.
Identifiers: ClinVar variation 2136437 (VCV002136437.6), dbSNP rs779921465, ClinGen allele CA364737903.
Genomic context (GRCh38, chr6:75,137,562, plus strand): 5'-TAGCAGGATCCCACTTAACAGTCAGGCTGTTAGATGTTGCATTGTACACTTGAAGGTTTC[G>A]TGGGCCACTTTTGGGAGCTGAAAGAAGATTGTTGAAAAACTGAGTAAGCAGACAGAACAA-3'